The following is an entry in ClinVar:

NM_017654.4(SAMD9):c.757A>T (p.Thr253Ser)

Gene: SAMD9 (sterile alpha motif domain containing 9; minus strand). Cytogenetic location: 7q21.2.
Variant type: single nucleotide variant.
Coding change: c.757A>T on transcript NM_017654.4 (MANE Select); coding-DNA position 757, A replaced by T.
Protein change: p.Thr253Ser; replaces threonine 253 with serine.
Molecular consequence: missense variant.
Genome position (GRCh38, 1-based): chr7:93,105,341, T>A on the plus strand (A>T on the coding strand, the complement: SAMD9 is on the minus strand). VCF-style: chr7-93105341-T-A. GRCh37 (hg19) VCF-style: chr7-92734654-T-A.
Other names: c.757A>T, p.Thr253Ser (NM_001193307.2); short protein forms T253S.
Identifiers: ClinVar variation 3436999 (VCV003436999.1).

ClinVar aggregate classification (germline): Uncertain significance (1 of 4 stars; one submission).

Conditions:
Inborn genetic diseases. Identifiers: MedGen C0950123, MeSH D030342.

Submission:

Ambry Genetics
Classification: Uncertain significance for Inborn genetic diseases. Last evaluated: 2024-11-17. Review status: criteria provided, single submitter. Criteria: Ambry Variant Classification Scheme 2023. Collection method: clinical testing. Allele origin: germline.
Comment: The p.T253S variant (also known as c.757A>T), located in coding exon 1 of the SAMD9 gene, results from an A to T substitution at nucleotide position 757. The threonine at codon 253 is replaced by serine, an amino acid with similar properties. This amino acid position is conserved. In addition, this alteration is predicted to be tolerated by in silico analysis. Based on the available evidence, the clinical significance of this variant remains unclear.